The following is an entry in ClinVar:

NM_001365951.3(KIF1B):c.2553G>T (p.Leu851Phe)

Gene: KIF1B (kinesin family member 1B; plus strand). Cytogenetic location: 1p36.22.
Variant type: single nucleotide variant.
Coding change: c.2553G>T on transcript NM_001365951.3 (MANE Select); coding-DNA position 2553, G replaced by T.
Protein change: p.Leu851Phe; replaces leucine 851 with phenylalanine.
Molecular consequence: missense variant.
Genome position (GRCh38, 1-based): chr1:10,324,773, G>T. VCF-style: chr1-10324773-G-T. GRCh37 (hg19) VCF-style: chr1-10384831-G-T.
Other names: c.2553G>T, p.Leu851Phe (NM_001365952.1); c.2415G>T, p.Leu805Phe (NM_015074.3); short protein forms L805F, L851F.
Identifiers: ClinVar variation 4092315 (VCV004092315.1).

ClinVar aggregate classification (germline): Uncertain significance (1 of 4 stars; one submission).

Submission:

Ambry Genetics
Classification: Uncertain significance. Last evaluated: 2025-06-16. Review status: criteria provided, single submitter. Criteria: Ambry Variant Classification Scheme 2023. Collection method: clinical testing. Allele origin: germline.
Comment: The p.L805F variant (also known as c.2415G>T), located in coding exon 23 of the KIF1B gene, results from a G to T substitution at nucleotide position 2415. The leucine at codon 805 is replaced by phenylalanine, an amino acid with highly similar properties. This amino acid position is conserved. In addition, this alteration is predicted to be tolerated by in silico analysis. Based on the available evidence, the clinical significance of this variant remains unclear.